The following is an entry in ClinVar:

NM_000535.7(PMS2):c.164-17T>C

Gene: PMS2 (PMS1 homolog 2, mismatch repair system component; minus strand). Cytogenetic location: 7p22.1.
Variant type: single nucleotide variant.
Coding change: c.164-17T>C on transcript NM_000535.7 (MANE Select); 17 bases into the intron before coding-DNA position 164, T replaced by C.
Molecular consequence: intron variant.
Genome position (GRCh38, 1-based): chr7:6,004,075, A>G on the plus strand (T>C on the coding strand, the complement: PMS2 is on the minus strand). VCF-style: chr7-6004075-A-G. GRCh37 (hg19) VCF-style: chr7-6043706-A-G.
Other names: c.-52-17T>C (NM_001322008.2, NM_001406902.1, NM_001406883.1 and 4 more transcripts); c.-218-17T>C (NM_001406881.1, NM_001406900.1); c.-189-17T>C (NM_001406895.1, NM_001406904.1, NM_001406889.1 and 6 more transcripts); c.-242-17T>C (NM_001406911.1, NM_001322010.2, NM_001322004.2 and 13 more transcripts); c.-321-17T>C (NM_001406879.1, NM_001322015.2, NM_001406878.1 and 3 more transcripts); c.-721-17T>C (NM_001322012.2, NM_001322011.2); c.-52-1439T>C (NM_001406896.1); c.164-17T>C (NM_001406885.1, NM_001406886.1, NM_001406884.1 and 10 more transcripts); and 3 more.
Identifiers: ClinVar variation 3903929 (VCV003903929.1).

ClinVar aggregate classification (germline): Likely benign (1 of 4 stars; one submission).

Conditions:
Lynch syndrome 4 (LYNCH4). Also called: Colorectal cancer, hereditary nonpolyposis, type 4; Hereditary non-polyposis colorectal cancer, type 4. Identifiers: Orphanet 144, MedGen C1838333, MONDO:0013699, OMIM 614337. Disease mechanism: loss of function.

Submission:

Myriad Genetics, Inc.
Classification: Likely benign for Lynch syndrome 4. Last evaluated: 2025-01-23. Review status: criteria provided, single submitter. Criteria: Myriad Autosomal Dominant, Autosomal Recessive and X-Linked Classification Criteria (2023). Collection method: clinical testing. Allele origin: unknown.
Comment: This variant is considered likely benign. This variant is intronic and is not expected to impact mRNA splicing.